The following is an entry in ClinVar:

ClinVar aggregate classification (germline): Uncertain significance. Review status: criteria provided, multiple submitters, no conflicts (2 of 4 stars). 2 submissions from 2 submitters: Uncertain significance (2). Last evaluated 2024-11-25.

Conditions:
Autoimmune lymphoproliferative syndrome type 2A (ALPS2A). Also called: AUTOIMMUNE LYMPHOPROLIFERATIVE SYNDROME, TYPE IIA; CASP10-Related Autoimmune Lymphoproliferative Syndrome; Autoimmune lymphoproliferative syndrome type 2. Identifiers: Orphanet 3261, MedGen C1858968, MONDO:0011383, OMIM 603909.

Allele frequency attached by ClinVar (database versions not stated): gnomAD 0.00001; gnomAD exomes 0.00001 and 0.00002; ExAC 0.00002; 1000 Genomes Project 0.00020; 1000 Genomes Project 30x 0.00031.
gnomAD v4.1: 14 of 1,607,850 alleles (0.00087%); highest among the groups gnomAD compares: South Asian, 0.015%; no homozygotes.

Submissions (2):

Labcorp Genetics (formerly Invitae), Labcorp
Classification: Uncertain significance for Autoimmune lymphoproliferative syndrome type 2A. Last evaluated: 2024-11-25. Review status: criteria provided, single submitter. Criteria: Invitae Variant Classification Sherloc (09022015). Collection method: clinical testing. Allele origin: germline.
Comment: This sequence change affects a donor splice site in intron 2 of the CASP10 gene. It is expected to disrupt RNA splicing. Variants that disrupt the donor or acceptor splice site typically lead to a loss of protein function (PMID: 16199547), however the current clinical and genetic evidence is not sufficient to establish whether loss-of-function variants in CASP10 cause disease. This variant is present in population databases (rs536573363, gnomAD 0.01%). This variant has not been reported in the literature in individuals affected with CASP10-related conditions. ClinVar contains an entry for this variant (Variation ID: 1301792). Algorithms developed to predict the effect of sequence changes on RNA splicing suggest that this variant may disrupt the consensus splice site. In summary, the available evidence is currently insufficient to determine the role of this variant in disease. Therefore, it has been classified as a Variant of Uncertain Significance.

Dubai Health Genomic Medicine Center, Dubai Health
Classification: Uncertain significance. Last evaluated: 2020-03-16. Review status: criteria provided, single submitter. Criteria: ACMG Guidelines, 2015. Collection method: clinical testing. Allele origin: germline. Affected: yes.

Literature cited by the submitters: PubMed 16199547 (cited by Labcorp Genetics (formerly Invitae), Labcorp).

NM_032977.4(CASP10):c.347+2T>G

Gene: CASP10 (caspase 10; plus strand). Cytogenetic location: 2q33.1.
Variant type: single nucleotide variant.
Coding change: c.347+2T>G on transcript NM_032977.4 (MANE Select); the canonical splice donor site of the intron after coding-DNA position 347, T replaced by G.
Molecular consequence: splice donor variant.
Genome position (GRCh38, 1-based): chr2:201,186,126, T>G. VCF-style: chr2-201186126-T-G. GRCh37 (hg19) VCF-style: chr2-202050849-T-G.
Other names: c.347+2T>G (NM_032974.5, NM_001206542.2, NM_032976.4 and 3 more transcripts).
Identifiers: ClinVar variation 1301792 (VCV001301792.5), dbSNP rs536573363, ClinGen allele CA2052822.